The following is an entry in ClinVar:

ClinVar aggregate classification (germline): Uncertain significance (1 of 4 stars; one submission).

Conditions:
Inborn genetic diseases. Identifiers: MedGen C0950123, MeSH D030342.

gnomAD v4.1: 4 of 1,613,358 alleles (0.00025%); highest among the groups gnomAD compares: Non-Finnish European, 0.00034%; no homozygotes.

Submission:

Ambry Genetics
Classification: Uncertain significance for Inborn genetic diseases. Last evaluated: 2025-09-10. Review status: criteria provided, single submitter. Criteria: Ambry Variant Classification Scheme 2023. Collection method: clinical testing. Allele origin: germline.
Comment: The p.L937V variant (also known as c.2809C>G), located in coding exon 14 of the FANCM gene, results from a C to G substitution at nucleotide position 2809. The leucine at codon 937 is replaced by valine, an amino acid with highly similar properties. This amino acid position is conserved. In addition, this alteration is predicted to be tolerated by in silico analysis. Based on the available evidence, the clinical significance of this variant remains unclear.

NM_020937.4(FANCM):c.2809C>G (p.Leu937Val)

Gene: FANCM (FA complementation group M; plus strand). Cytogenetic location: 14q21.2.
Variant type: single nucleotide variant.
Coding change: c.2809C>G on transcript NM_020937.4 (MANE Select); coding-DNA position 2809, C replaced by G.
Protein change: p.Leu937Val; replaces leucine 937 with valine.
Molecular consequence: missense variant.
Genome position (GRCh38, 1-based): chr14:45,175,563, C>G. VCF-style: chr14-45175563-C-G. GRCh37 (hg19) VCF-style: chr14-45644766-C-G.
Other names: c.2731C>G, p.Leu911Val (NM_001308133.2); short protein forms L911V, L937V.
Identifiers: ClinVar variation 4254744 (VCV004254744.1).